The following is an entry in ClinVar:

ClinVar aggregate classification (germline): Uncertain significance (1 of 4 stars; one submission).

Submission:

Labcorp Genetics (formerly Invitae), Labcorp
Classification: Uncertain significance. Last evaluated: 2025-11-01. Review status: criteria provided, single submitter. Criteria: Invitae Variant Classification Sherloc (09022015). Collection method: clinical testing. Allele origin: germline.
Comment: This sequence change replaces arginine, which is basic and polar, with tryptophan, which is neutral and slightly polar, at codon 1074 of the SETD5 protein (p.Arg1074Trp). This variant is not present in population databases (gnomAD no frequency). This variant has not been reported in the literature in individuals affected with SETD5-related conditions. Invitae Evidence Modeling of protein sequence and biophysical properties (such as structural, functional, and spatial information, amino acid conservation, physicochemical variation, residue mobility, and thermodynamic stability) indicates that this missense variant is expected to disrupt SETD5 protein function with a positive predictive value of 80%. In summary, the available evidence is currently insufficient to determine the role of this variant in disease. Therefore, it has been classified as a Variant of Uncertain Significance.

NM_001080517.3(SETD5):c.3220C>T (p.Arg1074Trp)

Gene: SETD5 (SET domain containing 5; plus strand). Cytogenetic location: 3p25.3.
Variant type: single nucleotide variant.
Coding change: c.3220C>T on transcript NM_001080517.3 (MANE Select); coding-DNA position 3220, C replaced by T.
Protein change: p.Arg1074Trp; replaces arginine 1074 with tryptophan.
Molecular consequence: missense variant.
Genome position (GRCh38, 1-based): chr3:9,473,260, C>T. VCF-style: chr3-9473260-C-T. GRCh37 (hg19) VCF-style: chr3-9514944-C-T.
Other names: c.2926C>T, p.Arg976Trp (NM_001292043.2, NM_001349451.2); c.3316C>T, p.Arg1106Trp (NM_001437633.1); c.3334C>T, p.Arg1112Trp (NM_001437635.1); c.3277C>T, p.Arg1093Trp (NM_001437643.1); c.3259C>T, p.Arg1087Trp (NM_001437701.1); short protein forms R1087W, R1106W, R1112W, R1074W, R1093W, R976W.
Identifiers: ClinVar variation 4745565 (VCV004745565.1).